The following is an entry in ClinVar:

ClinVar aggregate classification (germline): Uncertain significance (1 of 4 stars; one submission).

Submission:

Labcorp Genetics (formerly Invitae), Labcorp
Classification: Uncertain significance. Last evaluated: 2023-02-01. Review status: criteria provided, single submitter. Criteria: Invitae Variant Classification Sherloc (09022015). Collection method: clinical testing. Allele origin: germline.
Comment: This sequence change replaces serine, which is neutral and polar, with threonine, which is neutral and polar, at codon 70 of the AHDC1 protein (p.Ser70Thr). This variant is not present in population databases (gnomAD no frequency). This variant has not been reported in the literature in individuals affected with AHDC1-related conditions. Algorithms developed to predict the effect of missense changes on protein structure and function (SIFT, PolyPhen-2, Align-GVGD) all suggest that this variant is likely to be tolerated. In summary, the available evidence is currently insufficient to determine the role of this variant in disease. Therefore, it has been classified as a Variant of Uncertain Significance.

NM_001371928.1(AHDC1):c.209G>C (p.Ser70Thr)

Gene: AHDC1 (AT-hook DNA binding motif containing 1; minus strand). Cytogenetic location: 1p36.11.
Variant type: single nucleotide variant.
Coding change: c.209G>C on transcript NM_001371928.1 (MANE Select); coding-DNA position 209, G replaced by C.
Protein change: p.Ser70Thr; replaces serine 70 with threonine.
Molecular consequence: missense variant.
Genome position (GRCh38, 1-based): chr1:27,551,907, C>G on the plus strand (G>C on the coding strand, the complement: AHDC1 is on the minus strand). VCF-style: chr1-27551907-C-G. GRCh37 (hg19) VCF-style: chr1-27878418-C-G.
Other names: c.209G>C, p.Ser70Thr (NM_001029882.3); short protein forms S70T.
Identifiers: ClinVar variation 3008969 (VCV003008969.3), dbSNP rs1352603161, ClinGen allele CA339238248.
Genomic context (GRCh38, chr1:27,551,907, plus strand): 5'-CGGGCTGCCCGTGGGGGCAGCGGGTCGTCCCCCTTGGCAAGGACTGGTGGGCGCCGGGTG[C>G]TGGGGTCCCGGCGTGGGGGTGGGCGTGGGTTCTCGGAGAAGGCGTGGGTGGAGAAGGCCT-3'
Protein context (NP_001358857.1, residues 60-80): NPRPPPRRDP[Ser70Thr]TRRPPVLAKG